The following is an entry in ClinVar:

NM_000498.3(CYP11B2):c.1398+1G>C

Genes: CYP11B2 (cytochrome P450 family 11 subfamily B member 2; minus strand), LOC106799834 (CYP11B2 recombination region; plus strand). Cytogenetic location: 8q24.3.
Variant type: single nucleotide variant.
Coding change: c.1398+1G>C on transcript NM_000498.3 (MANE Select); the canonical splice donor site of the intron after coding-DNA position 1398, G replaced by C.
Molecular consequence: splice donor variant.
Genome position (GRCh38, 1-based): chr8:142,912,529, C>G on the plus strand (G>C on the coding strand, the complement: CYP11B2 is on the minus strand). VCF-style: chr8-142912529-C-G. GRCh37 (hg19) VCF-style: chr8-143993945-C-G.
Identifiers: ClinVar variation 4738781 (VCV004738781.2).

ClinVar aggregate classification (germline): Pathogenic. Review status: criteria provided, multiple submitters, no conflicts (2 of 4 stars). 2 submissions from 2 submitters: Pathogenic (2). Last evaluated 2025-06-25.

Conditions:
Corticosterone methyl oxidase type II deficiency.

gnomAD v4.1: 4 of 1,602,662 alleles (0.00025%); highest among the groups gnomAD compares: East Asian, 0.0022%; no homozygotes.

Submissions (2):

Labcorp Genetics (formerly Invitae), Labcorp
Classification: Pathogenic. Last evaluated: 2025-06-25. Review status: criteria provided, single submitter. Criteria: Invitae Variant Classification Sherloc (09022015). Collection method: clinical testing. Allele origin: germline.
Comment: This sequence change affects a donor splice site in intron 8 of the CYP11B2 gene. While this variant is not anticipated to result in nonsense mediated decay, it likely alters RNA splicing and results in a disrupted protein product. This variant is present in population databases (rs539836429, gnomAD 0.003%). Disruption of this splice site has been observed in individual(s) with hypoaldosteronism (PMID: 25968592, 29201470, 33098647). Variants that disrupt the consensus splice site are a relatively common cause of aberrant splicing (PMID: 17576681, 9536098). Algorithms developed to predict the effect of sequence changes on RNA splicing suggest that this variant may disrupt the consensus splice site. This variant disrupts a region of the CYP11B2 protein in which other variant(s) (p.Thr498Ala) have been determined to be pathogenic (PMID: 12788848, 21237269). This suggests that this is a clinically significant region of the protein, and that variants that disrupt it are likely to be disease-causing. For these reasons, this variant has been classified as Pathogenic.

Natera, Inc.
Classification: Pathogenic for Corticosterone methyl oxidase type II deficiency. Last evaluated: 2024-04-24. Review status: criteria provided, single submitter. Criteria: Natera Variant Classification Schema (03/2026). Collection method: clinical testing. Allele origin: germline.
Comment: The c.1398+1G>C variant in CYP11B2 is a canonical splice donor site variant predicted to affect pre-mRNA splicing, which may result in an abnormal transcript and altered protein product. This variant is expected to result in nonsense mediated decay, truncation, or a dysfunctional protein product. This variant is rare in the general population with a frequency below the threshold expected for the associated phenotype(s). Another variant at this same site results in an alteration predicted to cause a similar molecular effect has been observed in individual(s) with the associated phenotype. Given the available evidence, this variant is classified as Pathogenic.

Literature cited by the submitters: PubMed 25968592 (cited by Labcorp Genetics (formerly Invitae), Labcorp); PubMed 29201470 (cited by Labcorp Genetics (formerly Invitae), Labcorp); PubMed 33098647 (cited by Labcorp Genetics (formerly Invitae), Labcorp); PubMed 17576681 (cited by Labcorp Genetics (formerly Invitae), Labcorp); PubMed 9536098 (cited by Labcorp Genetics (formerly Invitae), Labcorp); PubMed 12788848 (cited by Labcorp Genetics (formerly Invitae), Labcorp); PubMed 21237269 (cited by Labcorp Genetics (formerly Invitae), Labcorp).